The following is an entry in ClinVar:

ClinVar aggregate classification (germline): Uncertain significance (1 of 4 stars; one submission).

Conditions:
Hereditary spastic paraplegia 8 (SPG8). Also called: SPASTIC PARAPLEGIA 8, AUTOSOMAL DOMINANT. Identifiers: Orphanet 100989, MedGen C1863704, MONDO:0011339, OMIM 603563.
Ritscher-Schinzel syndrome. Also called: CRANIOCEREBELLOCARDIAC DYSPLASIA. Identifiers: Orphanet 7, MedGen C0796137, MONDO:0019078.

Allele frequency attached by ClinVar (database versions not stated): gnomAD exomes 0.00001 and below 0.00001.
gnomAD v4.1: 7 of 1,613,836 alleles (0.00043%); highest among the groups gnomAD compares: Non-Finnish European, 0.00059%; no homozygotes.

Submission:

Labcorp Genetics (formerly Invitae), Labcorp
Classification: Uncertain significance for Ritscher-Schinzel syndrome; Hereditary spastic paraplegia 8. Last evaluated: 2019-05-27. Review status: criteria provided, single submitter. Criteria: Invitae Variant Classification Sherloc (09022015). Collection method: clinical testing. Allele origin: germline.
Comment: In summary, the available evidence is currently insufficient to determine the role of this variant in disease. Therefore, it has been classified as a Variant of Uncertain Significance. Algorithms developed to predict the effect of missense changes on protein structure and function are either unavailable or do not agree on the potential impact of this missense change (SIFT: "Tolerated"; PolyPhen-2: "Probably Damaging"; Align-GVGD: "Class C0"). This variant has not been reported in the literature in individuals with WASHC5-related conditions. This variant is not present in population databases (ExAC no frequency). This sequence change replaces asparagine with serine at codon 287 of the WASHC5 protein (p.Asn287Ser). The asparagine residue is moderately conserved and there is a small physicochemical difference between asparagine and serine.

NM_014846.4(WASHC5):c.860A>G (p.Asn287Ser)

Gene: WASHC5 (WASH complex subunit 5; minus strand). Cytogenetic location: 8q24.13.
Variant type: single nucleotide variant.
Coding change: c.860A>G on transcript NM_014846.4 (MANE Select); coding-DNA position 860, A replaced by G.
Protein change: p.Asn287Ser; replaces asparagine 287 with serine.
Molecular consequence: missense variant.
Genome position (GRCh38, 1-based): chr8:125,076,352, T>C on the plus strand (A>G on the coding strand, the complement: WASHC5 is on the minus strand). VCF-style: chr8-125076352-T-C. GRCh37 (hg19) VCF-style: chr8-126088594-T-C.
Other names: c.416A>G, p.Asn139Ser (NM_001330609.2); short protein forms N139S, N287S.
Identifiers: ClinVar variation 949761 (VCV000949761.9), dbSNP rs1020805660, ClinGen allele CA185322393.